The following is an entry in ClinVar:

ClinVar aggregate classification (germline): Uncertain significance. Review status: criteria provided, multiple submitters, no conflicts (2 of 4 stars). 2 submissions from 2 submitters: Uncertain significance (2). Last evaluated 2024-10-20.

Conditions:
Werner syndrome (WRN). Identifiers: Orphanet 902, MedGen C0043119, MONDO:0010196, OMIM 277700.

Allele frequency attached by ClinVar (database versions not stated): gnomAD below 0.00001 and 0.00001; TOPMed 0.00001; gnomAD exomes 0.00008; ExAC 0.00011; 1000 Genomes Project 30x 0.00016; 1000 Genomes Project 0.00020.

Submissions (2):

Labcorp Genetics (formerly Invitae), Labcorp
Classification: Uncertain significance for Werner syndrome. Last evaluated: 2024-10-20. Review status: criteria provided, single submitter. Criteria: Invitae Variant Classification Sherloc (09022015). Collection method: clinical testing. Allele origin: germline.
Comment: This sequence change replaces methionine, which is neutral and non-polar, with isoleucine, which is neutral and non-polar, at codon 1337 of the WRN protein (p.Met1337Ile). This variant is present in population databases (rs544317387, gnomAD 0.07%). This variant has not been reported in the literature in individuals affected with WRN-related conditions. ClinVar contains an entry for this variant (Variation ID: 647635). An algorithm developed to predict the effect of missense changes on protein structure and function outputs the following: PolyPhen-2: "Benign". The isoleucine amino acid residue is found in multiple mammalian species, which suggests that this missense change does not adversely affect protein function. In summary, the available evidence is currently insufficient to determine the role of this variant in disease. Therefore, it has been classified as a Variant of Uncertain Significance.

Fulgent Genetics
Classification: Uncertain significance for Werner syndrome. Last evaluated: 2022-05-13. Review status: criteria provided, single submitter. Criteria: ACMG Guidelines, 2015. Collection method: clinical testing. Allele origin: unknown.

NM_000553.6(WRN):c.4011G>A (p.Met1337Ile)

Gene: WRN (WRN RecQ like helicase; plus strand). Cytogenetic location: 8p12.
Variant type: single nucleotide variant.
Coding change: c.4011G>A on transcript NM_000553.6 (MANE Select); coding-DNA position 4011, G replaced by A.
Protein change: p.Met1337Ile; replaces methionine 1337 with isoleucine.
Molecular consequence: missense variant.
Genome position (GRCh38, 1-based): chr8:31,167,050, G>A. VCF-style: chr8-31167050-G-A. GRCh37 (hg19) VCF-style: chr8-31024566-G-A.
Other names: short protein forms M1337I.
Identifiers: ClinVar variation 647635 (VCV000647635.7), dbSNP rs544317387, ClinGen allele CA4705241.
Genomic context (GRCh38, chr8:31,167,050, plus strand): 5'-ATTTTGAAATGGAGTTTTTTTATCGTTTACAGATATGAGTAAAATTAGCCTAATCAGAAT[G>A]TTAGTTCCTGAAAACATTGACACGTACCTTATCCACATGGCAATTGAGATCCTTAAACAT-3'
Protein context (NP_000544.2, residues 1327-1347): SDMSKISLIR[Met1337Ile]LVPENIDTYL